The following is an entry in ClinVar:

NM_001271696.3(ABCB7):c.534G>C (p.Leu178=)

Gene: ABCB7 (ATP binding cassette subfamily B member 7; minus strand). Cytogenetic location: Xq13.3.
Variant type: single nucleotide variant.
Coding change: c.534G>C on transcript NM_001271696.3 (MANE Select); coding-DNA position 534, G replaced by C.
Protein change: p.Leu178=; no amino-acid change (leucine 178 retained).
Molecular consequence: synonymous variant.
Genome position (GRCh38, 1-based): chrX:75,076,574, C>G on the plus strand (G>C on the coding strand, the complement: ABCB7 is on the minus strand). VCF-style: chrX-75076574-C-G. GRCh37 (hg19) VCF-style: chrX-74296409-C-G.
Other names: c.414G>C, p.Leu138= (NM_001271697.3); c.456G>C, p.Leu152= (NM_001271698.3); c.417G>C, p.Leu139= (NM_001271699.3); c.537G>C, p.Leu179= (NM_004299.6).
Identifiers: ClinVar variation 2660941 (VCV002660941.24), dbSNP rs2147472199, ClinGen allele CA517285526.

ClinVar aggregate classification (germline): Likely benign (1 of 4 stars; one submission).

Allele frequency attached by ClinVar (database versions not stated): gnomAD exomes below 0.00001.
gnomAD v4.1: 2 of 1,210,988 alleles (0.00017%); highest among the groups gnomAD compares: Non-Finnish European, 0.00022%; no homozygotes.

Submission:

CeGaT Center for Human Genetics Tuebingen
Classification: Likely benign. Last evaluated: 2022-07-01. Review status: criteria provided, single submitter. Criteria: CeGaT Center For Human Genetics Tuebingen Variant Classification Criteria Version 2. Collection method: clinical testing. Allele origin: germline. Affected: yes. Observed: 1 variant allele.
Comment: ABCB7: PM2:Supporting, BP4, BP7